The following is an entry in ClinVar:

ClinVar aggregate classification (germline): Likely benign (1 of 4 stars; one submission).

Submission:

CeGaT Center for Human Genetics Tuebingen
Classification: Likely benign. Last evaluated: 2026-07-01. Review status: criteria provided, single submitter. Criteria: CeGaT Center For Human Genetics Tuebingen Variant Classification Criteria Version 2. Collection method: clinical testing. Allele origin: germline. Affected: yes. Observed: 1 variant allele.
Comment: ACAN: BP4, BP7

NM_001369268.1(ACAN):c.4176C>T (p.Ser1392=)

Gene: ACAN (aggrecan; plus strand). Cytogenetic location: 15q26.1.
Variant type: single nucleotide variant.
Coding change: c.4176C>T on transcript NM_001369268.1 (MANE Select); coding-DNA position 4176, C replaced by T.
Protein change: p.Ser1392=; no amino-acid change (serine 1392 retained).
Molecular consequence: synonymous variant.
Genome position (GRCh38, 1-based): chr15:88,856,761, C>T. VCF-style: chr15-88856761-C-T. GRCh37 (hg19) VCF-style: chr15-89399992-C-T.
Other names: c.4176C>T, p.Ser1392= (NM_001135.4, NM_001411096.1, NM_001411097.1 and 1 more transcripts).
Identifiers: ClinVar variation 5038540 (VCV005038540.1).